The following is an entry in ClinVar:

NM_022437.3(ABCG8):c.1152C>G (p.Asn384Lys)

Gene: ABCG8 (ATP binding cassette subfamily G member 8; plus strand). Cytogenetic location: 2p21.
Variant type: single nucleotide variant.
Coding change: c.1152C>G on transcript NM_022437.3 (MANE Select); coding-DNA position 1152, C replaced by G.
Protein change: p.Asn384Lys; replaces asparagine 384 with lysine.
Molecular consequence: missense variant.
Genome position (GRCh38, 1-based): chr2:43,872,247, C>G. VCF-style: chr2-43872247-C-G. GRCh37 (hg19) VCF-style: chr2-44099386-C-G.
Other names: p.Asn384Lys; c.1149C>G, p.Asn383Lys (NM_001357321.2); short protein forms N383K, N384K.
Identifiers: ClinVar variation 2450766 (VCV002450766.4), dbSNP rs1426658542, ClinGen allele CA346669097.

ClinVar aggregate classification (germline): Uncertain significance. Review status: criteria provided, multiple submitters, no conflicts (2 of 4 stars). 2 submissions from 2 submitters: Uncertain significance (2). Last evaluated 2025-06-28.

Conditions:
Cardiovascular phenotype. Identifiers: MedGen CN230736.

Allele frequency attached by ClinVar (database versions not stated): gnomAD 0.00001.
gnomAD v4.1: 10 of 1,613,912 alleles (0.00062%); highest among the groups gnomAD compares: Non-Finnish European, 0.00085%; no homozygotes.

Submissions (2):

Ambry Genetics
Classification: Uncertain significance for Cardiovascular phenotype. Last evaluated: 2025-06-28. Review status: criteria provided, single submitter. Criteria: Ambry Variant Classification Scheme 2023. Collection method: clinical testing. Allele origin: germline.
Comment: The p.N384K variant (also known as c.1152C>G), located in coding exon 8 of the ABCG8 gene, results from a C to G substitution at nucleotide position 1152. The asparagine at codon 384 is replaced by lysine, an amino acid with similar properties. This amino acid position is conserved. In addition, this alteration is predicted to be tolerated by in silico analysis. Since supporting evidence is limited at this time, the clinical significance of this alteration remains unclear.

Mayo Clinic Laboratories, Mayo Clinic
Classification: Uncertain significance. Last evaluated: 2022-10-11. Review status: criteria provided, single submitter. Criteria: ACMG Guidelines, 2015. Collection method: clinical testing. Allele origin: germline. Observed: 1 variant allele.
Comment: BP4